The following is an entry in ClinVar:

ClinVar aggregate classification (germline): Uncertain significance. Review status: criteria provided, multiple submitters, no conflicts (2 of 4 stars). 2 submissions from 2 submitters: Uncertain significance (2). Last evaluated 2022-11-30.

Conditions:
Inborn genetic diseases. Identifiers: MedGen C0950123, MeSH D030342.

Allele frequency attached by ClinVar (database versions not stated): gnomAD 0.00001.
gnomAD v4.1: 15 of 1,609,944 alleles (0.00093%); highest among the groups gnomAD compares: Admixed American, 0.012%; no homozygotes.

Submissions (2):

Ambry Genetics
Classification: Uncertain significance for Inborn genetic diseases. Last evaluated: 2022-11-30. Review status: criteria provided, single submitter. Criteria: Ambry Variant Classification Scheme 2023. Collection method: clinical testing. Allele origin: germline.

Labcorp Genetics (formerly Invitae), Labcorp
Classification: Uncertain significance. Last evaluated: 2022-02-09. Review status: criteria provided, single submitter. Criteria: Invitae Variant Classification Sherloc (09022015). Collection method: clinical testing. Allele origin: germline.
Comment: This sequence change replaces glycine, which is neutral and non-polar, with tryptophan, which is neutral and slightly polar, at codon 274 of the TSEN54 protein (p.Gly274Trp). This variant is present in population databases (rs762725861, gnomAD 0.01%). This variant has not been reported in the literature in individuals affected with TSEN54-related conditions. Algorithms developed to predict the effect of missense changes on protein structure and function are either unavailable or do not agree on the potential impact of this missense change (SIFT: "Deleterious"; PolyPhen-2: "Possibly Damaging"; Align-GVGD: "Class C0"). In summary, the available evidence is currently insufficient to determine the role of this variant in disease. Therefore, it has been classified as a Variant of Uncertain Significance.

NM_207346.3(TSEN54):c.820G>T (p.Gly274Trp)

Gene: TSEN54 (tRNA splicing endonuclease subunit 54; plus strand). Cytogenetic location: 17q25.1.
Variant type: single nucleotide variant.
Coding change: c.820G>T on transcript NM_207346.3 (MANE Select); coding-DNA position 820, G replaced by T.
Protein change: p.Gly274Trp; replaces glycine 274 with tryptophan.
Molecular consequence: missense variant.
Genome position (GRCh38, 1-based): chr17:75,521,901, G>T. VCF-style: chr17-75521901-G-T. GRCh37 (hg19) VCF-style: chr17-73517982-G-T.
Other names: short protein forms G274W.
Identifiers: ClinVar variation 1987002 (VCV001987002.2), dbSNP rs762725861, ClinGen allele CA8764281.